The following is an entry in ClinVar:

NM_000836.4(GRIN2D):c.2761C>A (p.Pro921Thr)

Gene: GRIN2D (glutamate ionotropic receptor NMDA type subunit 2D; plus strand). Cytogenetic location: 19q13.33.
Variant type: single nucleotide variant.
Coding change: c.2761C>A on transcript NM_000836.4 (MANE Select); coding-DNA position 2761, C replaced by A.
Protein change: p.Pro921Thr; replaces proline 921 with threonine.
Molecular consequence: missense variant.
Genome position (GRCh38, 1-based): chr19:48,442,687, C>A. VCF-style: chr19-48442687-C-A. GRCh37 (hg19) VCF-style: chr19-48945944-C-A.
Other names: short protein forms P921T.
Identifiers: ClinVar variation 3636280 (VCV003636280.2).

ClinVar aggregate classification (germline): Uncertain significance (1 of 4 stars; one submission).

gnomAD v4.1: 2 of 1,202,692 alleles (0.00017%); highest among the groups gnomAD compares: Non-Finnish European, 0.00021%; no homozygotes.

Submission:

Labcorp Genetics (formerly Invitae), Labcorp
Classification: Uncertain significance. Last evaluated: 2024-06-30. Review status: criteria provided, single submitter. Criteria: Invitae Variant Classification Sherloc (09022015). Collection method: clinical testing. Allele origin: germline.
Comment: This sequence change replaces proline, which is neutral and non-polar, with threonine, which is neutral and polar, at codon 921 of the GRIN2D protein (p.Pro921Thr). This variant is not present in population databases (gnomAD no frequency). This variant has not been reported in the literature in individuals affected with GRIN2D-related conditions. Advanced modeling of protein sequence and biophysical properties (such as structural, functional, and spatial information, amino acid conservation, physicochemical variation, residue mobility, and thermodynamic stability) performed at Invitae indicates that this missense variant is not expected to disrupt GRIN2D protein function with a negative predictive value of 95%. In summary, the available evidence is currently insufficient to determine the role of this variant in disease. Therefore, it has been classified as a Variant of Uncertain Significance.